The following is an entry in ClinVar:

ClinVar aggregate classification (germline): Conflicting classifications of pathogenicity. Review status: criteria provided, conflicting classifications (1 of 4 stars). 4 submissions from 4 submitters: Uncertain significance (3); Likely benign (1). Last evaluated 2025-12-28.

Conditions:
Sessile serrated polyposis cancer syndrome (SSPCS). Identifiers: Orphanet 157798, MedGen C4310714, MONDO:0014919, OMIM 617108.

Allele frequency attached by ClinVar (database versions not stated): ExAC 0.00002; gnomAD 0.00002 and 0.00003; gnomAD exomes 0.00002 and 0.00003; TOPMed 0.00004; ESP Exome Variant Server 0.00023.
gnomAD v4.1: 27 of 1,613,732 alleles (0.0017%); highest among the groups gnomAD compares: African/African-American, 0.0067%; no homozygotes.

Submissions (4):

Labcorp Genetics (formerly Invitae), Labcorp
Classification: Uncertain significance. Last evaluated: 2025-12-28. Review status: criteria provided, single submitter. Criteria: Invitae Variant Classification Sherloc (09022015). Collection method: clinical testing. Allele origin: germline.
Comment: This sequence change replaces arginine, which is basic and polar, with glutamine, which is neutral and polar, at codon 437 of the RNF43 protein (p.Arg437Gln). This variant is present in population databases (rs140873038, gnomAD 0.01%). This variant has not been reported in the literature in individuals affected with RNF43-related conditions. ClinVar contains an entry for this variant (Variation ID: 1438355). An algorithm developed to predict the effect of missense changes on protein structure and function (PolyPhen-2) suggests that this variant is likely to be tolerated. In summary, the available evidence is currently insufficient to determine the role of this variant in disease. Therefore, it has been classified as a Variant of Uncertain Significance.

Ambry Genetics
Classification: Likely benign. Last evaluated: 2025-01-07. Review status: criteria provided, single submitter. Criteria: Ambry Variant Classification Scheme 2023. Collection method: clinical testing. Allele origin: germline.

Baylor Genetics
Classification: Uncertain significance for Sessile serrated polyposis cancer syndrome. Last evaluated: 2023-10-12. Review status: criteria provided, single submitter. Criteria: ACMG Guidelines, 2015. Collection method: clinical testing. Allele origin: unknown.

GeneDx
Classification: Uncertain significance. Last evaluated: 2022-06-16. Review status: criteria provided, single submitter. Criteria: GeneDx Variant Classification Process June 2021. Collection method: clinical testing. Allele origin: germline. Affected: yes.
Comment: In silico analysis supports that this missense variant does not alter protein structure/function; Has not been previously published as pathogenic or benign to our knowledge; Variants in candidate genes are classified as variants of uncertain significance in accordance with ACMG guidelines (Richards et al., 2015)

NM_017763.6(RNF43):c.1310G>A (p.Arg437Gln)

Gene: RNF43 (ring finger protein 43; minus strand). Cytogenetic location: 17q22.
Variant type: single nucleotide variant.
Coding change: c.1310G>A on transcript NM_017763.6 (MANE Select); coding-DNA position 1310, G replaced by A.
Protein change: p.Arg437Gln; replaces arginine 437 with glutamine.
Molecular consequence: missense variant.
Genome position (GRCh38, 1-based): chr17:58,358,466, C>T on the plus strand (G>A on the coding strand, the complement: RNF43 is on the minus strand). VCF-style: chr17-58358466-C-T. GRCh37 (hg19) VCF-style: chr17-56435827-C-T.
Other names: c.1310G>A (NM_017763.4); c.1310G>A, p.Arg437Gln (NM_001305544.3); c.929G>A, p.Arg310Gln (NM_001305545.2); short protein forms R310Q, R437Q.
Identifiers: ClinVar variation 1438355 (VCV001438355.9), dbSNP rs140873038, ClinGen allele CA8673197.